The following is an entry in ClinVar:

ClinVar aggregate classification (germline): Pathogenic (1 of 4 stars; one submission).

Conditions:
Joubert syndrome. Also called: CEREBELLOPARENCHYMAL DISORDER IV; JOUBERT-BOLTSHAUSER SYNDROME; Familial aplasia of the vermis. Identifiers: Orphanet 475, MedGen C5979921, MONDO:0018772.

Submission:

Labcorp Genetics (formerly Invitae), Labcorp
Classification: Pathogenic for Joubert syndrome. Last evaluated: 2023-12-05. Review status: criteria provided, single submitter. Criteria: Invitae Variant Classification Sherloc (09022015). Collection method: clinical testing. Allele origin: germline.
Comment: This sequence change creates a premature translational stop signal (p.Val129Leufs*3) in the AHI1 gene. It is expected to result in an absent or disrupted protein product. Loss-of-function variants in AHI1 are known to be pathogenic (PMID: 15322546, 16453322, 28442542, 29186038). This variant is not present in population databases (gnomAD no frequency). This variant has not been reported in the literature in individuals affected with AHI1-related conditions. For these reasons, this variant has been classified as Pathogenic.

Literature cited by the submitters: PubMed 15322546; PubMed 16453322; PubMed 28442542; PubMed 29186038.

NM_001134831.2(AHI1):c.344_384dup (p.Val129delinsLeuValTer)

Gene: AHI1 (Abelson helper integration site 1; minus strand). Cytogenetic location: 6q23.3.
Variant type: Duplication.
Coding change: c.344_384dup on transcript NM_001134831.2 (MANE Select); coding-DNA positions 344 to 384, 41 bases duplicated.
Protein change: p.Val129delinsLeuValTer.
Molecular consequence: nonsense.
Genome position (GRCh38, 1-based): chr6:135,466,179-135,466,219, 41 bases duplicated; duplicating any 41 consecutive bases within chr6:135,466,179-135,466,220 gives the same sequence; the c. name uses the placement nearest the transcript's 3' end. GRCh37 (hg19): chr6:135,787,318-135,787,358.
Other names: c.344_384dup, p.Val129delinsLeuValTer (NM_001134830.2, NM_001134832.2, NM_001350503.2 and 2 more transcripts).
Identifiers: ClinVar variation 2701080 (VCV002701080.3), dbSNP rs2485019975, ClinGen allele CA2697553757.
Genomic context (GRCh38, chr6:135,466,178, plus strand): 5'-TATTCTCAGGAGTTTCCGGTTTCAGGTCTTGTGTAGTCAACTGGGGCACCGTCTTTATCA[C>CCTTTTTATTTGGCTTTCCTTGTTTGTCTTCCTCTACACTAG]CTTTTTATTTGGCTTTCCTTGTTTGTCTTCCTCTACACTAGCATCACCATTAGGATTTTC-3'